The following is an entry in ClinVar:

ClinVar aggregate classification (germline): Likely benign. Review status: criteria provided, multiple submitters, no conflicts (2 of 4 stars). 3 submissions from 3 submitters: Likely benign (2). 1 of the submissions does not count toward it. Last evaluated 2024-03-02.

Conditions:
PEX6-related disorder. Also called: PEX6-related condition; PEX6-related disorders.
Peroxisome biogenesis disorder. Identifiers: Orphanet 79189, MedGen C1832200, MONDO:0019234. Disease mechanism: loss of function.

Allele frequency attached by ClinVar (database versions not stated): gnomAD 0.00001; TOPMed 0.00002; ExAC 0.00003; gnomAD exomes 0.00003 and 0.00004.
gnomAD v4.1: 63 of 1,609,974 alleles (0.0039%); highest among the groups gnomAD compares: Non-Finnish European, 0.0053%; no homozygotes.

Submissions (3):

Labcorp Genetics (formerly Invitae), Labcorp
Classification: Likely benign for Peroxisome biogenesis disorder. Last evaluated: 2024-03-02. Review status: criteria provided, single submitter. Criteria: Invitae Variant Classification Sherloc (09022015). Collection method: clinical testing. Allele origin: germline.

Blueprint Genetics
Classification: Likely benign. Last evaluated: 2022-09-07. Review status: criteria provided, single submitter. Criteria: ACMG Guidelines, 2015. Collection method: clinical testing. Allele origin: germline.

PreventionGenetics, part of Exact Sciences
Classification: Likely benign for PEX6-related condition. Last evaluated: 2023-12-13. Review status: no assertion criteria provided. Collection method: clinical testing. Allele origin: germline. Not counted in ClinVar's aggregate classification.
Comment: This variant is classified as likely benign based on ACMG/AMP sequence variant interpretation guidelines (Richards et al. 2015 PMID: 25741868, with internal and published modifications).

NM_000287.4(PEX6):c.883-8T>C

Gene: PEX6 (peroxisomal biogenesis factor 6; minus strand). Cytogenetic location: 6p21.1.
Variant type: single nucleotide variant.
Coding change: c.883-8T>C on transcript NM_000287.4 (MANE Select); 8 bases into the intron before coding-DNA position 883, T replaced by C.
Molecular consequence: intron variant.
Genome position (GRCh38, 1-based): chr6:42,975,046, A>G on the plus strand (T>C on the coding strand, the complement: PEX6 is on the minus strand). VCF-style: chr6-42975046-A-G. GRCh37 (hg19) VCF-style: chr6-42942784-A-G.
Other names: c.619-8T>C (NM_001316313.2).
Identifiers: ClinVar variation 762759 (VCV000762759.14), dbSNP rs777174653, ClinGen allele CA3811519.
Genomic context (GRCh38, chr6:42,975,046, plus strand): 5'-AGCAATGAGCAGCTTCCTTTGTCTTCAGGGGCGATGGAGCCTTCCAAGTACCTCTATTAG[A>G]GAAATAACCACCACGTTATAACCTTCTCCTAAGGGGGCAGGCTCTAACCTGTCTCTCAGC-3'